The following is an entry in ClinVar:

NM_001372044.2(SHANK3):c.1181C>T (p.Ala394Val)

Gene: SHANK3 (SH3 and multiple ankyrin repeat domains 3; plus strand).
Variant type: single nucleotide variant.
Coding change: c.1181C>T on transcript NM_001372044.2 (MANE Select); coding-DNA position 1181, C replaced by T.
Protein change: p.Ala394Val; replaces alanine 394 with valine.
Molecular consequence: missense variant.
Other names: short protein forms A394V.
Identifiers: ClinVar variation 1679589 (VCV001679589.1), dbSNP rs2124372229.

ClinVar aggregate classification (germline): Uncertain significance (1 of 4 stars; one submission).

Conditions:
Phelan-McDermid syndrome. Also called: Phelan-McDermid Syndrome-SHANK3 Related; TELOMERIC 22q13 MONOSOMY SYNDROME; 22q13.3 deletion syndrome. Identifiers: Orphanet 48652, MedGen C1853490, MONDO:0011652, OMIM 606232.

Submission:

New York Genome Center
Classification: Uncertain significance for Phelan-McDermid syndrome. Last evaluated: 2021-04-30. Review status: criteria provided, single submitter. Criteria: NYGC Assertion Criteria 2020. Collection method: clinical testing. Allele origin: inherited. Observed: 1 heterozygote. Study: CSER-NYCKidSeq.
Comment: The inherited heterozygous c.1181C>T(p.Ala394Val) missense variant identified in the SHANK3 gene has not been reported in affected individuals in the literature to the best of our knowledge. The variant is absent from the gnomAD(v3) database suggesting it is not a common benign variant in the populations represented in that database. In silico prediction tools provide conflicting predictions about potential pathogenicity of this variant [CADD score= 25.2, REVEL score= 0.312]. Based on the available evidence, the inherited heterozygous c.1181C>T(p.Ala394Val) variant identified in the SHANK3 gene is reported as a variant of uncertain significance.